The following is an entry in ClinVar:

ClinVar aggregate classification (germline): Uncertain significance (1 of 4 stars; one submission).

Conditions:
Fanconi anemia complementation group J. Also called: BRIP1-Related Fanconi Anemia. Identifiers: Orphanet 84, MedGen C1836860, MONDO:0012187, OMIM 609054.
Familial cancer of breast. Also called: BREAST CANCER, FAMILIAL; Hereditary breast cancer; hereditary breast carcinoma. Identifiers: Orphanet 227535, MedGen C0346153, MONDO:0016419, OMIM 114480. Disease mechanism: loss of function.

Submission:

Labcorp Genetics (formerly Invitae), Labcorp
Classification: Uncertain significance for Familial cancer of breast; Fanconi anemia complementation group J. Last evaluated: 2024-02-20. Review status: criteria provided, single submitter. Criteria: Invitae Variant Classification Sherloc (09022015). Collection method: clinical testing. Allele origin: germline.
Comment: This sequence change replaces lysine, which is basic and polar, with threonine, which is neutral and polar, at codon 503 of the BRIP1 protein (p.Lys503Thr). This variant is not present in population databases (gnomAD no frequency). This variant has not been reported in the literature in individuals affected with BRIP1-related conditions. Advanced modeling of protein sequence and biophysical properties (such as structural, functional, and spatial information, amino acid conservation, physicochemical variation, residue mobility, and thermodynamic stability) performed at Invitae indicates that this missense variant is not expected to disrupt BRIP1 protein function with a negative predictive value of 80%. In summary, the available evidence is currently insufficient to determine the role of this variant in disease. Therefore, it has been classified as a Variant of Uncertain Significance.

NM_032043.3(BRIP1):c.1508A>C (p.Lys503Thr)

Gene: BRIP1 (BRCA1 interacting DNA helicase 1; minus strand). Cytogenetic location: 17q23.2.
Variant type: single nucleotide variant.
Coding change: c.1508A>C on transcript NM_032043.3 (MANE Select); coding-DNA position 1508, A replaced by C.
Protein change: p.Lys503Thr; replaces lysine 503 with threonine.
Molecular consequence: missense variant.
Genome position (GRCh38, 1-based): chr17:61,784,390, T>G on the plus strand (A>C on the coding strand, the complement: BRIP1 is on the minus strand). VCF-style: chr17-61784390-T-G. GRCh37 (hg19) VCF-style: chr17-59861751-T-G.
Other names: short protein forms K503T.
Identifiers: ClinVar variation 3754831 (VCV003754831.2).
Genomic context (GRCh38, chr17:61,784,390, plus strand): 5'-GTTGATGCACTAATAACAGGTACTTCTCTTGCCTCCTCTTTACCATAAATTGGTGAGATT[T>G]TTTCCTCTTTTTGAAGAACAGCAGAAAAATGTCCCTATAAGAAATTACCATATTAAGTAT-3'
Protein context (NP_114432.2, residues 493-513): HFSAVLQKEE[Lys503Thr]ISPIYGKEEA